The following is an entry in ClinVar:

ClinVar aggregate classification (germline): Likely benign (1 of 4 stars; one submission).

Submission:

GeneDx
Classification: Likely benign. Last evaluated: 2017-10-02. Review status: criteria provided, single submitter. Criteria: GeneDx Variant Classification (06012015). Collection method: clinical testing. Allele origin: germline. Affected: yes.
Comment: This variant is considered likely benign or benign based on one or more of the following criteria: it is a conservative change, it occurs at a poorly conserved position in the protein, it is predicted to be benign by multiple in silico algorithms, and/or has population frequency not consistent with disease.

NM_000051.4(ATM):c.2376+17C>T

Gene: ATM (ATM serine/threonine kinase; plus strand). Cytogenetic location: 11q22.3.
Variant type: single nucleotide variant.
Coding change: c.2376+17C>T on transcript NM_000051.4 (MANE Select); 17 bases into the intron after coding-DNA position 2376, C replaced by T.
Molecular consequence: intron variant.
Genome position (GRCh38, 1-based): chr11:108,257,623, C>T. VCF-style: chr11-108257623-C-T. GRCh37 (hg19) VCF-style: chr11-108128350-C-T.
Other names: c.2376+17C>T (NM_001351834.2).
Identifiers: ClinVar variation 509929 (VCV000509929.1), dbSNP rs1555075846, ClinGen allele CA658797780.